The following is an entry in ClinVar:

NM_001004334.4(GPR179):c.24G>A (p.Met8Ile)

Gene: GPR179 (G protein-coupled receptor 179; minus strand). Cytogenetic location: 17q12.
Variant type: single nucleotide variant.
Coding change: c.24G>A on transcript NM_001004334.4 (MANE Select); coding-DNA position 24, G replaced by A.
Protein change: p.Met8Ile; replaces methionine 8 with isoleucine.
Molecular consequence: missense variant.
Genome position (GRCh38, 1-based): chr17:38,343,766, C>T on the plus strand (G>A on the coding strand, the complement: GPR179 is on the minus strand). VCF-style: chr17-38343766-C-T. GRCh37 (hg19) VCF-style: chr17-36499649-C-T.
Other names: short protein forms M8I.
Identifiers: ClinVar variation 1973125 (VCV001973125.3), dbSNP rs2037473856, ClinGen allele CA398890068.

ClinVar aggregate classification (germline): Uncertain significance (1 of 4 stars; one submission).

Allele frequency attached by ClinVar (database versions not stated): gnomAD exomes below 0.00001.
gnomAD v4.1: 1 of 1,524,670 alleles (0.000066%); highest among the groups gnomAD compares: Non-Finnish European, 0.000088%; no homozygotes.

Submission:

Labcorp Genetics (formerly Invitae), Labcorp
Classification: Uncertain significance. Last evaluated: 2022-02-19. Review status: criteria provided, single submitter. Criteria: Invitae Variant Classification Sherloc (09022015). Collection method: clinical testing. Allele origin: germline.
Comment: In summary, the available evidence is currently insufficient to determine the role of this variant in disease. Therefore, it has been classified as a Variant of Uncertain Significance. Algorithms developed to predict the effect of missense changes on protein structure and function output the following: SIFT: "Tolerated"; PolyPhen-2: "Benign"; Align-GVGD: "Class C0". The isoleucine amino acid residue is found in multiple mammalian species, which suggests that this missense change does not adversely affect protein function. This variant has not been reported in the literature in individuals affected with GPR179-related conditions. This variant is not present in population databases (gnomAD no frequency). This sequence change replaces methionine, which is neutral and non-polar, with isoleucine, which is neutral and non-polar, at codon 8 of the GPR179 protein (p.Met8Ile).